The following is an entry in ClinVar:

NM_019045.5(WDR44):c.1151T>C (p.Leu384Pro)

Gene: WDR44 (WD repeat domain 44; plus strand). Cytogenetic location: Xq24.
Variant type: single nucleotide variant.
Coding change: c.1151T>C on transcript NM_019045.5 (MANE Select); coding-DNA position 1151, T replaced by C.
Protein change: p.Leu384Pro; replaces leucine 384 with proline.
Molecular consequence: missense variant.
Genome position (GRCh38, 1-based): chrX:118,397,067, T>C. VCF-style: chrX-118397067-T-C. GRCh37 (hg19) VCF-style: chrX-117531030-T-C.
Other names: c.1151T>C, p.Leu384Pro (NM_001184965.2); c.1076T>C, p.Leu359Pro (NM_001184966.1); short protein forms L359P, L384P.
Identifiers: ClinVar variation 5017383 (VCV005017383.1).

ClinVar aggregate classification (germline): Uncertain significance (1 of 4 stars; one submission).

Submission:

GeneDx
Classification: Uncertain significance. Last evaluated: 2026-03-24. Review status: criteria provided, single submitter. Criteria: GeneDx Variant Classification Process June 2021. Collection method: clinical testing. Allele origin: germline.
Comment: Not observed at significant frequency in large population cohorts (gnomAD); In silico analysis supports that this missense variant has a deleterious effect on protein structure/function; Has not been previously published as pathogenic or benign to our knowledge